The following is an entry in ClinVar:

ClinVar aggregate classification (germline): Uncertain significance (1 of 4 stars; one submission).

Conditions:
Gingival disorder. Also called: Gingival disease. Identifiers: MedGen C0017563, MONDO:0002021.

Allele frequency attached by ClinVar (database versions not stated): TOPMed below 0.00001; gnomAD 0.00001.
gnomAD v4.1: 6 of 1,613,980 alleles (0.00037%); highest among the groups gnomAD compares: Non-Finnish European, 0.00051%; no homozygotes.

Submission:

Labcorp Genetics (formerly Invitae), Labcorp
Classification: Uncertain significance for Gingival disorder. Last evaluated: 2023-06-20. Review status: criteria provided, single submitter. Criteria: Invitae Variant Classification Sherloc (09022015). Collection method: clinical testing. Allele origin: germline.
Comment: This sequence change replaces methionine, which is neutral and non-polar, with valine, which is neutral and non-polar, at codon 82 of the FPR1 protein (p.Met82Val). This variant is not present in population databases (gnomAD no frequency). This variant has not been reported in the literature in individuals affected with FPR1-related conditions. Algorithms developed to predict the effect of missense changes on protein structure and function output the following: SIFT: "Not Available"; PolyPhen-2: "Benign"; Align-GVGD: "Not Available". The valine amino acid residue is found in multiple mammalian species, which suggests that this missense change does not adversely affect protein function. In summary, the available evidence is currently insufficient to determine the role of this variant in disease. Therefore, it has been classified as a Variant of Uncertain Significance.

NM_002029.4(FPR1):c.244A>G (p.Met82Val)

Gene: FPR1 (formyl peptide receptor 1; minus strand). Cytogenetic location: 19q13.41.
Variant type: single nucleotide variant.
Coding change: c.244A>G on transcript NM_002029.4 (MANE Select); coding-DNA position 244, A replaced by G.
Protein change: p.Met82Val; replaces methionine 82 with valine.
Molecular consequence: missense variant.
Genome position (GRCh38, 1-based): chr19:51,746,751, T>C on the plus strand (A>G on the coding strand, the complement: FPR1 is on the minus strand). VCF-style: chr19-51746751-T-C. GRCh37 (hg19) VCF-style: chr19-52250004-T-C.
Other names: c.244A>G, p.Met82Val (NM_001193306.2); short protein forms M82V.
Identifiers: ClinVar variation 2879585 (VCV002879585.3), dbSNP rs1463080612, ClinGen allele CA407119911.
Genomic context (GRCh38, chr19:51,746,751, plus strand): 5'-AGACGAATTTGCACAGGAACCAGCCGAAAGGCCAATGTCCTCCCATGGCCTTCCTGACCA[T>C]GAAGAATGGCAAAGTGGAGGTGAAACAGAAGTCAGCCACGGCCAGGTTCAGGTAACTGAT-3'
Protein context (NP_002020.1, residues 72-92): FCFTSTLPFF[Met82Val]VRKAMGGHWP